The following is an entry in ClinVar:

ClinVar aggregate classification (germline): Uncertain significance. Review status: criteria provided, multiple submitters, no conflicts (2 of 4 stars). 2 submissions from 2 submitters: Uncertain significance (2). Last evaluated 2026-03-11.

Conditions:
Mitochondrial complex V (ATP synthase) deficiency, nuclear type 2. Also called: Nuclear-Encoded ATPase Deficiency, TMEM70-Related; MITOCHONDRIAL COMPLEX V (ATP SYNTHASE) DEFICIENCY, TMEM70 TYPE; ENCEPHALOCARDIOMYOPATHY, MITOCHONDRIAL, NEONATAL, DUE TO ATP SYNTHASE DEFICIENCY. Identifiers: Orphanet 1194, MedGen C3279699, MONDO:0013546, OMIM 614052.
TMEM70-related disorder. Also called: TMEM70-related condition.

Allele frequency attached by ClinVar (database versions not stated): gnomAD exomes 0.00003 and 0.00010; TOPMed 0.00003; ExAC 0.00012.
gnomAD v4.1: 38 of 1,613,850 alleles (0.0024%); highest among the groups gnomAD compares: Admixed American, 0.04%; no homozygotes.

Submissions (2):

PreventionGenetics, part of Exact Sciences
Classification: Uncertain significance for TMEM70-related condition. Last evaluated: 2026-03-11. Review status: criteria provided, single submitter. Criteria: ACMG Guidelines, 2015. Collection method: clinical testing. Allele origin: germline.
Comment: The TMEM70 c.341C>T variant is predicted to result in the amino acid substitution p.Thr114Met. This variant has been reported in individual(s) with autism spectrum disorder from large autism cohorts (Table S4, Bi et al. 2012. PubMed ID: 22865819; reported with genomic position chr 8:74893414 and along with other variants in Table S1, Kaplanis et al. 2020. PubMed ID: 33057194; same patient also reported in Supplemental Data 3, Zhou et al. 2022. PubMed ID: 35982159). This variant is reported in 0.067% of alleles in individuals of Latino descent in gnomAD. At this time, the clinical significance of this variant is uncertain due to the absence of conclusive functional and genetic evidence.

Labcorp Genetics (formerly Invitae), Labcorp
Classification: Uncertain significance for Mitochondrial complex V (ATP synthase) deficiency, nuclear type 2. Last evaluated: 2022-08-31. Review status: criteria provided, single submitter. Criteria: Invitae Variant Classification Sherloc (09022015). Collection method: clinical testing. Allele origin: germline.
Comment: This sequence change replaces threonine, which is neutral and polar, with methionine, which is neutral and non-polar, at codon 114 of the TMEM70 protein (p.Thr114Met). This variant is present in population databases (rs760669698, gnomAD 0.07%). This variant has not been reported in the literature in individuals affected with TMEM70-related conditions. ClinVar contains an entry for this variant (Variation ID: 1450061). Algorithms developed to predict the effect of missense changes on protein structure and function are either unavailable or do not agree on the potential impact of this missense change (SIFT: "Deleterious"; PolyPhen-2: "Probably Damaging"; Align-GVGD: "Class C15"). In summary, the available evidence is currently insufficient to determine the role of this variant in disease. Therefore, it has been classified as a Variant of Uncertain Significance.

NM_017866.6(TMEM70):c.341C>T (p.Thr114Met)

Gene: TMEM70 (transmembrane protein 70; plus strand). Cytogenetic location: 8q21.11.
Variant type: single nucleotide variant.
Coding change: c.341C>T on transcript NM_017866.6 (MANE Select); coding-DNA position 341, C replaced by T.
Protein change: p.Thr114Met; replaces threonine 114 with methionine.
Molecular consequence: missense variant. On other transcripts: 3 prime UTR variant (1), non-coding transcript variant (1).
Genome position (GRCh38, 1-based): chr8:73,981,179, C>T. VCF-style: chr8-73981179-C-T. GRCh37 (hg19) VCF-style: chr8-74893414-C-T.
Other names: c.*31C>T (NM_001040613.3); c.341C>T (NM_017866.5); short protein forms T114M.
Identifiers: ClinVar variation 1450061 (VCV001450061.4), dbSNP rs760669698, ClinGen allele CA4784037.